The following is an entry in ClinVar:

NM_001384474.1(LOXHD1):c.2774del (p.Gln925fs)

Gene: LOXHD1 (lipoxygenase homology PLAT domains 1; minus strand). Cytogenetic location: 18q21.1.
Variant type: Deletion.
Coding change: c.2774del on transcript NM_001384474.1 (MANE Select); coding-DNA position 2774, one base deleted (A; older notation c.2774delA).
Protein change: p.Gln925fs; shifts the reading frame from glutamine 925.
Molecular consequence: frameshift variant.
Genome position (GRCh38, 1-based): chr18:46,560,370, T deleted on the plus strand (A on the coding strand, the reverse complement: LOXHD1 is on the minus strand). VCF-style (leftmost placement, unchanged base first): chr18-46560369-CT-C. GRCh37 (hg19) VCF-style: chr18-44140332-CT-C.
Other names: c.2774del, p.Gln925fs (NM_144612.7); short protein forms Q925fs.
Identifiers: ClinVar variation 5004539 (VCV005004539.1).
Genomic context (GRCh38, chr18:46,560,369, plus strand): 5'-GCCCTTCCTCTTCTTCTTCTTCCTCTGCAGCTTGGCCTTCAGCCGCTCCTTCTTGAGCAG[CT>C]GCCGCAGCTTGTCCTTCTCCTTCTTCTTCCGGGCCTCCTCCTCCGGCGTGAGGTCCACCT-3'

ClinVar aggregate classification (germline): Pathogenic (1 of 4 stars; one submission).

Conditions:
Autosomal recessive nonsyndromic hearing loss 77. Identifiers: Orphanet 90636, MedGen C2746083, MONDO:0013119, OMIM 613079.

Submission:

Myriad Genetics, Inc.
Classification: Pathogenic for Autosomal recessive nonsyndromic hearing loss 77. Last evaluated: 2026-03-17. Review status: criteria provided, single submitter. Criteria: Myriad Autosomal Dominant, Autosomal Recessive and X-Linked Classification Criteria (2023). Collection method: clinical testing. Allele origin: unknown.
Comment: NM_144612.6(LOXHD1):c.2774delA(Q925Rfs*8) is a frameshift variant classified as pathogenic in the context of nonsyndromic hearing loss, LOXHD1-related. Q925Rfs*8 has not been observed in cases with relevant disease. Relevant functional assessments of this variant are not available in the literature. Q925Rfs*8 has not been observed in referenced population frequency databases. In summary, NM_144612.6(LOXHD1):c.2774delA(Q925Rfs*8) is a frameshift variant in a gene where loss of function is a known mechanism of disease and is predicted to disrupt protein function. Please note: this variant was assessed in the context of healthy population screening.